The following is an entry in ClinVar:

NM_030773.4(TUBB1):c.1127A>G (p.Glu376Gly)

Gene: TUBB1 (tubulin beta 1 class VI; plus strand). Cytogenetic location: 20q13.32.
Variant type: single nucleotide variant.
Coding change: c.1127A>G on transcript NM_030773.4 (MANE Select); coding-DNA position 1127, A replaced by G.
Protein change: p.Glu376Gly; replaces glutamic acid 376 with glycine.
Molecular consequence: missense variant.
Genome position (GRCh38, 1-based): chr20:59,024,554, A>G. VCF-style: chr20-59024554-A-G. GRCh37 (hg19) VCF-style: chr20-57599609-A-G.
Other names: short protein forms E376G.
Identifiers: ClinVar variation 2036004 (VCV002036004.4), dbSNP rs2515917955, ClinGen allele CA409468377.

ClinVar aggregate classification (germline): Uncertain significance (1 of 4 stars; one submission).

Submission:

Labcorp Genetics (formerly Invitae), Labcorp
Classification: Uncertain significance. Last evaluated: 2022-10-26. Review status: criteria provided, single submitter. Criteria: Invitae Variant Classification Sherloc (09022015). Collection method: clinical testing. Allele origin: germline.
Comment: In summary, the available evidence is currently insufficient to determine the role of this variant in disease. Therefore, it has been classified as a Variant of Uncertain Significance. Advanced modeling of protein sequence and biophysical properties (such as structural, functional, and spatial information, amino acid conservation, physicochemical variation, residue mobility, and thermodynamic stability) performed at Invitae indicates that this missense variant is not expected to disrupt TUBB1 protein function. This variant has not been reported in the literature in individuals affected with TUBB1-related conditions. This variant is not present in population databases (gnomAD no frequency). This sequence change replaces glutamic acid, which is acidic and polar, with glycine, which is neutral and non-polar, at codon 376 of the TUBB1 protein (p.Glu376Gly).